The following is an entry in ClinVar:

ClinVar aggregate classification (germline): Uncertain significance (1 of 4 stars; one submission).

Conditions:
Basilicata-Akhtar syndrome. Also called: MENTAL RETARDATION, X-LINKED, SYNDROMIC, BASILICATA-AKHTAR TYPE; INTELLECTUAL DEVELOPMENTAL DISORDER, X-LINKED, SYNDROMIC, 36. Identifiers: MedGen C5231394, MONDO:0026730, OMIM 301032.

Submission:

Human Genetics Bochum, Ruhr University Bochum
Classification: Uncertain significance for Basilicata-Akhtar syndrome. Last evaluated: 2025-07-30. Review status: criteria provided, single submitter. Criteria: ACMG Guidelines, 2015. Collection method: clinical testing. Allele origin: germline. Affected: yes.
Comment: de novo; ACMG criteria used to clasify this variant: PS2_MOD, PM4, PM2_SUP

NM_078629.4(MSL3):c.635_637del (p.Ser212del)

Gene: MSL3 (MSL complex subunit 3; plus strand). Cytogenetic location: Xp22.2.
Variant type: Deletion.
Coding change: c.635_637del on transcript NM_078629.4 (MANE Select); coding-DNA positions 635 to 637, 3 bases deleted (CCT; older notation c.635_637delCCT).
Protein change: p.Ser212del; deletes serine 212.
Genome position (GRCh38, 1-based): chrX:11,762,883-11,762,885, CCT deleted; deleting any 3 consecutive bases within chrX:11,762,882-11,762,885 gives the same sequence; the c. name uses the placement nearest the transcript's 3' end. VCF-style (leftmost placement, unchanged base first): chrX-11762881-ATCC-A. GRCh37 (hg19) VCF-style: chrX-11781000-ATCC-A.
Other names: c.599_601del, p.Ser200del (NM_001193270.2); c.188_190del, p.Ser63del (NM_001282174.1); c.137_139del, p.Ser46del (NM_006800.4); c.635_637del, p.Ser212del (NM_078628.2); short protein forms S200del, S212del, S46del, S63del.
Identifiers: ClinVar variation 4687939 (VCV004687939.1).